The following is an entry in ClinVar:

ClinVar aggregate classification (germline): Uncertain significance (1 of 4 stars; one submission).

Submission:

Labcorp Genetics (formerly Invitae), Labcorp
Classification: Uncertain significance. Last evaluated: 2025-01-06. Review status: criteria provided, single submitter. Criteria: Invitae Variant Classification Sherloc (09022015). Collection method: clinical testing. Allele origin: germline.
Comment: This sequence change replaces leucine, which is neutral and non-polar, with arginine, which is basic and polar, at codon 2195 of the ASPM protein (p.Leu2195Arg). This variant is not present in population databases (gnomAD no frequency). This variant has not been reported in the literature in individuals affected with ASPM-related conditions. Invitae Evidence Modeling of protein sequence and biophysical properties (such as structural, functional, and spatial information, amino acid conservation, physicochemical variation, residue mobility, and thermodynamic stability) indicates that this missense variant is not expected to disrupt ASPM protein function with a negative predictive value of 80%. In summary, the available evidence is currently insufficient to determine the role of this variant in disease. Therefore, it has been classified as a Variant of Uncertain Significance.

NM_018136.5(ASPM):c.6584T>G (p.Leu2195Arg)

Gene: ASPM (assembly factor for spindle microtubules; minus strand). Cytogenetic location: 1q31.3.
Variant type: single nucleotide variant.
Coding change: c.6584T>G on transcript NM_018136.5 (MANE Select); coding-DNA position 6584, T replaced by G.
Protein change: p.Leu2195Arg; replaces leucine 2195 with arginine.
Molecular consequence: missense variant. On other transcripts: intron variant (1).
Genome position (GRCh38, 1-based): chr1:197,102,667, A>C on the plus strand (T>G on the coding strand, the complement: ASPM is on the minus strand). VCF-style: chr1-197102667-A-C. GRCh37 (hg19) VCF-style: chr1-197071797-A-C.
Other names: c.4066-6503T>G (NM_001206846.2); short protein forms L2195R.
Identifiers: ClinVar variation 3668838 (VCV003668838.2).